The following is an entry in ClinVar:

NM_002303.6(LEPR):c.3478A>G (p.Met1160Val)

Gene: LEPR (leptin receptor; plus strand). Cytogenetic location: 1p31.3.
Variant type: single nucleotide variant.
Coding change: c.3478A>G on transcript NM_002303.6 (MANE Select); coding-DNA position 3478, A replaced by G.
Protein change: p.Met1160Val; replaces methionine 1160 with valine.
Molecular consequence: missense variant.
Genome position (GRCh38, 1-based): chr1:65,636,995, A>G. VCF-style: chr1-65636995-A-G. GRCh37 (hg19) VCF-style: chr1-66102678-A-G.
Other names: short protein forms M1160V.
Identifiers: ClinVar variation 2629228 (VCV002629228.2), dbSNP rs758813213, ClinGen allele CA23931803.
Genomic context (GRCh38, chr1:65,636,995, plus strand): 5'-TCTTACATGCCTCAATTCCAAACTTGTTCTACTCAGACTCATAAGATCATGGAAAACAAG[A>G]TGTGTGACCTAACTGTGTAATTTCACTGAAGAAACCTTCAGATTTGTGTTATAATGGGTA-3'
Protein context (NP_002294.2, residues 1150-1165): TQTHKIMENK[Met1160Val]CDLTV

ClinVar aggregate classification (germline): Uncertain significance (1 of 4 stars; one submission).

Conditions:
LEPR-related disorder. Also called: LEPR-related condition; LEPR-related disorders.

Submission:

PreventionGenetics, part of Exact Sciences
Classification: Uncertain significance for LEPR-related condition. Last evaluated: 2025-12-23. Review status: criteria provided, single submitter. Criteria: ACMG Guidelines, 2015. Collection method: clinical testing. Allele origin: germline.
Comment: The LEPR c.3478A>G variant is predicted to result in the amino acid substitution p.Met1160Val. This variant was observed in a cohort of individuals with obesity, and in vitro functional studies showed this variant did not reduce protein function and could cause increased function (Supplemental Data Set 3, Shah et al. 2023. PubMed ID: 36864747). This variant has not been reported in a large population database (gnomAD). Although we suspect this variant may be pathogenic, at this time, the clinical significance of this variant is uncertain due to the absence of conclusive functional and genetic evidence.